The following is an entry in ClinVar:

NM_001267550.2(TTN):c.41620G>A (p.Asp13874Asn)

Gene: TTN (titin; minus strand). Cytogenetic location: 2q31.2.
Variant type: single nucleotide variant.
Coding change: c.41620G>A on transcript NM_001267550.2 (MANE Select); coding-DNA position 41620, G replaced by A.
Protein change: p.Asp13874Asn; replaces aspartic acid 13874 with asparagine.
Molecular consequence: missense variant.
Genome position (GRCh38, 1-based): chr2:178,635,704, C>T on the plus strand (G>A on the coding strand, the complement: TTN is on the minus strand). VCF-style: chr2-178635704-C-T. GRCh37 (hg19) VCF-style: chr2-179500431-C-T.
Other names: c.36697G>A, p.Asp12233Asn (NM_001256850.1); c.14425G>A, p.Asp4809Asn (NM_003319.4); c.33916G>A, p.Asp11306Asn (NM_133378.4); c.14800G>A, p.Asp4934Asn (NM_133432.3); c.15001G>A, p.Asp5001Asn (NM_133437.4); short protein forms D13874N, D11306N, D12233N, D4809N, D4934N, D5001N.
Identifiers: ClinVar variation 404690 (VCV000404690.5), dbSNP rs770045249, ClinGen allele CA1996225.

ClinVar aggregate classification (germline): Uncertain significance. Review status: criteria provided, multiple submitters, no conflicts (2 of 4 stars). 3 submissions from 3 submitters: Uncertain significance (3). Last evaluated 2026-09-01.

Conditions:
Autosomal recessive limb-girdle muscular dystrophy type 2J (LGMDR10). Also called: Limb-girdle muscular dystrophy, type 2J; MUSCULAR DYSTROPHY, LIMB-GIRDLE, AUTOSOMAL RECESSIVE 10. Identifiers: Orphanet 140922, MedGen C1837342, MONDO:0012127, OMIM 608807.
Dilated cardiomyopathy 1G (CMD1G). Identifiers: Orphanet 154, MedGen C1858763, MONDO:0011400, OMIM 604145.

Allele frequency attached by ClinVar (database versions not stated): gnomAD exomes below 0.00001 and 0.00001; ExAC 0.00003.
gnomAD v4.1: 2 of 1,599,302 alleles (0.00013%); highest among the groups gnomAD compares: Admixed American, 0.0035%; no homozygotes.

Submissions (3):

CeGaT Center for Human Genetics Tuebingen
Classification: Uncertain significance. Last evaluated: 2026-09-01. Review status: criteria provided, single submitter. Criteria: CeGaT Center For Human Genetics Tuebingen Variant Classification Criteria Version 2. Collection method: clinical testing. Allele origin: germline. Affected: yes. Observed: 1 variant allele.
Comment: TTN: PM2, BP4

Women's Health and Genetics/Laboratory Corporation of America, LabCorp
Classification: Uncertain significance. Last evaluated: 2026-01-26. Review status: criteria provided, single submitter. Criteria: LabCorp Variant Classification Summary - May 2015. Collection method: clinical testing. Allele origin: germline.
Comment: Variant summary: TTN c.33916G>A (p.Asp11306Asn) results in a conservative amino acid change in the encoded protein sequence. Algorithms developed to predict the effect of missense changes on protein structure and function are either unavailable or do not agree on the potential impact of this missense change. The variant allele was found at a frequency of 8.8e-06 in 226816 control chromosomes. The available data on variant occurrences in the general population are insufficient to allow any conclusion about variant significance. To our knowledge, no occurrence of c.33916G>A in individuals affected with TTN-related conditions and no experimental evidence demonstrating its impact on protein function have been reported. ClinVar contains an entry for this variant (Variation ID: 404690). Based on the evidence outlined above, the variant was classified as uncertain significance.

Labcorp Genetics (formerly Invitae), Labcorp
Classification: Uncertain significance for Dilated cardiomyopathy 1G; Autosomal recessive limb-girdle muscular dystrophy type 2J. Last evaluated: 2016-08-18. Review status: criteria provided, single submitter. Criteria: Invitae Variant Classification Sherloc (09022015). Collection method: clinical testing. Allele origin: germline.